The following is an entry in ClinVar:

ClinVar aggregate classification (germline): Pathogenic (1 of 4 stars; one submission).

Conditions:
Tuberous sclerosis 1 (TSC1). Identifiers: Orphanet 805, MedGen C1854465, MONDO:0008612, OMIM 191100.

Submission:

Labcorp Genetics (formerly Invitae), Labcorp
Classification: Pathogenic for Tuberous sclerosis 1. Last evaluated: 2023-05-25. Review status: criteria provided, single submitter. Criteria: Invitae Variant Classification Sherloc (09022015). Collection method: clinical testing. Allele origin: germline.
Comment: For these reasons, this variant has been classified as Pathogenic. This variant has not been reported in the literature in individuals affected with TSC1-related conditions. This variant is not present in population databases (gnomAD no frequency). This sequence change creates a premature translational stop signal (p.Thr824Cysfs*22) in the TSC1 gene. It is expected to result in an absent or disrupted protein product. Loss-of-function variants in TSC1 are known to be pathogenic (PMID: 10227394, 17304050).

Literature cited by the submitters: PubMed 10227394; PubMed 17304050.

NM_000368.5(TSC1):c.2470_2479del (p.Thr824fs)

Gene: TSC1 (TSC complex subunit 1; minus strand). Cytogenetic location: 9q34.13.
Variant type: Deletion.
Coding change: c.2470_2479del on transcript NM_000368.5 (MANE Select); coding-DNA positions 2470 to 2479, 10 bases deleted (ACTGAGCTGC; older notation c.2470_2479delACTGAGCTGC).
Protein change: p.Thr824fs; shifts the reading frame from threonine 824.
Molecular consequence: frameshift variant. On other transcripts: non-coding transcript variant (5), intron variant (8).
Genome position (GRCh38, 1-based): chr9:132,901,612-132,901,621, GCAGCTCAGT deleted on the plus strand (ACTGAGCTGC on the coding strand, the reverse complement: TSC1 is on the minus strand); deleting any 10 consecutive bases within chr9:132,901,612-132,901,622 gives the same sequence; the c. name uses the placement nearest the transcript's 3' end. VCF-style (leftmost placement, unchanged base first): chr9-132901611-AGCAGCTCAGT-A. GRCh37 (hg19) VCF-style: chr9-135776998-AGCAGCTCAGT-A.
Other names: c.1519_1528del, p.Thr507fs (NM_001406626.1); c.1516_1525del, p.Thr506fs (NM_001406627.1, NM_001406628.1); c.1417_1426del, p.Thr473fs (NM_001406629.1, NM_001406630.1); c.2094+10_2094+19del (NM_001406625.1); c.2467_2476del, p.Thr823fs (NM_001162426.2, NM_001406597.1, NM_001406598.1 and 2 more transcripts); c.2317_2326del, p.Thr773fs (NM_001162427.2, NM_001406610.1); c.2107_2116del, p.Thr703fs (NM_001362177.2, NM_001406614.1, NM_001406615.1 and 4 more transcripts); c.2470_2479del, p.Thr824fs (NM_001406592.1, NM_001406593.1, NM_001406594.1 and 2 more transcripts); and 8 more; short protein forms T703fs, T772fs, T818fs, T507fs, T702fs, T819fs, T473fs, T823fs.
Identifiers: ClinVar variation 2722621 (VCV002722621.3), dbSNP rs2538571936, ClinGen allele CA2697558117.
Genomic context (GRCh38, chr9:132,901,611, plus strand): 5'-TGTTTCAGCAGATTCAGGTCTGCCTCATTTCTTCTTACCTTTTGGGAAACCTGACTGAGC[AGCAGCTCAGT>A]GTGACACACCTTGTTGTTGGCCTTCTTCAGTTCTATCCGCAGCTCCGCAATCATGTTCCT-3'